The following is an entry in ClinVar:

NM_024496.4(IRF2BPL):c.489delinsCGCGCGCCGC (p.Ala164_Val165insArgArgAla)

Gene: IRF2BPL (interferon regulatory factor 2 binding protein like; minus strand). Cytogenetic location: 14q24.3.
Variant type: Indel.
Coding change: c.489delinsCGCGCGCCGC on transcript NM_024496.4 (MANE Select); coding-DNA position 489, T replaced by CGCGCGCCGC.
Protein change: p.Ala164_Val165insArgArgAla.
Molecular consequence: inframe insertion.
Genome position (GRCh38, 1-based): chr14:77,027,304, A replaced by GCGGCGCGCG on the plus strand (T replaced by CGCGCGCCGC on the coding strand, the reverse complement: IRF2BPL is on the minus strand). VCF-style: chr14-77027304-A-GCGGCGCGCG. GRCh37 (hg19) VCF-style: chr14-77493647-A-GCGGCGCGCG.
Identifiers: ClinVar variation 2633998 (VCV002633998.1), dbSNP rs2503078137, ClinGen allele CA2695199846.

ClinVar aggregate classification (germline): Uncertain significance (1 of 4 stars; one submission).

Conditions:
IRF2BPL-related disorder. Also called: IRF2BPL-related condition. Identifiers: MedGen CN381093.

Submission:

PreventionGenetics, part of Exact Sciences
Classification: Uncertain significance for IRF2BPL-related condition. Last evaluated: 2023-09-25. Review status: criteria provided, single submitter. Criteria: ACMG Guidelines, 2015. Collection method: clinical testing. Allele origin: germline.
Comment: The IRF2BPL c.489delinsCGCGCGCCGC variant is predicted to result in an in-frame deletion and insertion. To our knowledge, this variant has not been reported in the literature or in a large population database, indicating this variant is rare. At this time, the clinical significance of this variant is uncertain due to the absence of conclusive functional and genetic evidence.